The following is an entry in ClinVar:

ClinVar aggregate classification (germline): Uncertain significance. Review status: criteria provided, multiple submitters, no conflicts (2 of 4 stars). 2 submissions from 2 submitters: Uncertain significance (2). Last evaluated 2026-09-17.

Conditions:
TSHZ1-related disorder. Also called: TSHZ1-related condition.

Allele frequency attached by ClinVar (database versions not stated): TOPMed 0.00001.

Submissions (2):

PreventionGenetics, part of Exact Sciences
Classification: Uncertain significance for TSHZ1-related condition. Last evaluated: 2026-09-17. Review status: criteria provided, single submitter. Criteria: ACMG Guidelines, 2015. Collection method: clinical testing. Allele origin: germline.
Comment: The TSHZ1 c.1411A>G variant is predicted to result in the amino acid substitution p.Ile471Val. To our knowledge, this variant has not been reported in the literature or in a large population database (gnomAD), indicating this variant is rare. At this time, the clinical significance of this variant is uncertain due to the absence of conclusive functional and genetic evidence.

Ambry Genetics
Classification: Uncertain significance. Last evaluated: 2022-01-04. Review status: criteria provided, single submitter. Criteria: Ambry Variant Classification Scheme 2023. Collection method: clinical testing. Allele origin: germline.

NM_001308210.2(TSHZ1):c.1546A>G (p.Ile516Val)

Genes: TSHZ1 (teashirt zinc finger homeobox 1; plus strand), LOC125371439 (Sharpr-MPRA regulatory region 9768; plus strand). Cytogenetic location: 18q22.3.
Variant type: single nucleotide variant.
Coding change: c.1546A>G on transcript NM_001308210.2 (MANE Select); coding-DNA position 1546, A replaced by G.
Protein change: p.Ile516Val; replaces isoleucine 516 with valine.
Molecular consequence: missense variant.
Genome position (GRCh38, 1-based): chr18:75,286,953, A>G. VCF-style: chr18-75286953-A-G. GRCh37 (hg19) VCF-style: chr18-72998908-A-G.
Other names: c.1411A>G, p.Ile471Val (NM_005786.6); c.1411A>G (NM_005786.5); short protein forms I471V, I516V.
Identifiers: ClinVar variation 2214551 (VCV002214551.3), dbSNP rs375468249, ClinGen allele CA402782599.
Genomic context (GRCh38, chr18:75,286,953, plus strand): 5'-TCTGAAGAAAAGAAAGAGCCAGAGAAGGAGAAGCCGCCTGTGGCTGGCGACGCGGAGAAG[A>G]TCAAGGAGGAGAGTGAGGACAGCTTGGAGAAATTTGAGCCCAGCACCCTGTACCCGTACC-3'
Protein context (NP_001295139.1, residues 506-526): KPPVAGDAEK[Ile516Val]KEESEDSLEK